The following is an entry in ClinVar:

ClinVar aggregate classification (germline): Conflicting classifications of pathogenicity. Review status: criteria provided, conflicting classifications (1 of 4 stars). 4 submissions from 4 submitters: Uncertain significance (3); Likely benign (1). Last evaluated 2024-11-30.

Conditions:
Hereditary cancer-predisposing syndrome. Also called: Neoplastic Syndromes, Hereditary; Tumor predisposition; Hereditary Cancer Syndrome; Hereditary neoplastic syndrome. Identifiers: Orphanet 140162, MedGen C0027672, MeSH D009386, MONDO:0015356.
Hereditary breast ovarian cancer syndrome. Also called: Hereditary breast and ovarian cancer; Hereditary breast and ovarian cancer syndrome (HBOC); Hereditary breast and ovarian cancer syndrome; BRCA1- and BRCA2-Associated Hereditary Breast and Ovarian Cancer; Hereditary breast and/or ovarian cancer syndrome; Breast and ovarian cancer. Identifiers: Orphanet 145, MedGen C0677776, MeSH D061325, MONDO:0003582. Disease mechanism: loss of function.

Allele frequency attached by ClinVar (database versions not stated): gnomAD exomes below 0.00001; ExAC 0.00001.

Submissions (4):

Labcorp Genetics (formerly Invitae), Labcorp
Classification: Uncertain significance for Hereditary breast ovarian cancer syndrome. Last evaluated: 2024-11-30. Review status: criteria provided, single submitter. Criteria: Invitae Variant Classification Sherloc (09022015). Collection method: clinical testing. Allele origin: germline.
Comment: This sequence change replaces glutamic acid, which is acidic and polar, with lysine, which is basic and polar, at codon 1046 of the BRCA2 protein (p.Glu1046Lys). This variant is present in population databases (rs772342691, gnomAD 0.0009%). This missense change has been observed in individual(s) with clinical features of BRCA2-related conditions (PMID: 21520333). ClinVar contains an entry for this variant (Variation ID: 863692). Invitae Evidence Modeling of protein sequence and biophysical properties (such as structural, functional, and spatial information, amino acid conservation, physicochemical variation, residue mobility, and thermodynamic stability) indicates that this missense variant is not expected to disrupt BRCA2 protein function with a negative predictive value of 95%. In summary, the available evidence is currently insufficient to determine the role of this variant in disease. Therefore, it has been classified as a Variant of Uncertain Significance.

Blueprint Genetics
Classification: Uncertain significance. Last evaluated: 2023-07-06. Review status: criteria provided, single submitter. Criteria: ACMG Guidelines, 2015. Collection method: clinical testing. Allele origin: germline.

University of Washington Department of Laboratory Medicine, University of Washington
Classification: Likely benign for Hereditary cancer-predisposing syndrome. Last evaluated: 2023-03-23. Review status: criteria provided, single submitter. Criteria: Dines et al. (Genet Med. 2020). Collection method: curation. Allele origin: germline.
Comment: Missense variant in a coldspot region where missense variants are very unlikely to be pathogenic (PMID:31911673).

BRCA2 exon 11 coldspot. Reclassification based on statistical prior probability.

Ambry Genetics
Classification: Uncertain significance for Hereditary cancer-predisposing syndrome. Last evaluated: 2022-03-09. Review status: criteria provided, single submitter. Criteria: Ambry Variant Classification Scheme 2023. Collection method: clinical testing. Allele origin: germline.
Comment: The p.E1046K variant (also known as c.3136G>A), located in coding exon 10 of the BRCA2 gene, results from a G to A substitution at nucleotide position 3136. The glutamic acid at codon 1046 is replaced by lysine, an amino acid with similar properties. This amino acid position is well conserved in available vertebrate species. In addition, this alteration is predicted to be tolerated by in silico analysis. Since supporting evidence is limited at this time, the clinical significance of this alteration remains unclear.

Literature cited by the submitters: PubMed 21520333 (cited by Labcorp Genetics (formerly Invitae), Labcorp).

NM_000059.4(BRCA2):c.3136G>A (p.Glu1046Lys)

Gene: BRCA2 (BRCA2 DNA repair associated; plus strand). Cytogenetic location: 13q13.1.
Variant type: single nucleotide variant.
Coding change: c.3136G>A on transcript NM_000059.4 (MANE Select); coding-DNA position 3136, G replaced by A.
Protein change: p.Glu1046Lys; replaces glutamic acid 1046 with lysine.
Molecular consequence: missense variant.
Genome position (GRCh38, 1-based): chr13:32,337,491, G>A. VCF-style: chr13-32337491-G-A. GRCh37 (hg19) VCF-style: chr13-32911628-G-A.
Other names: short protein forms E1046K.
Identifiers: ClinVar variation 863692 (VCV000863692.16), dbSNP rs772342691, ClinGen allele CA6940670.